The following is an entry in ClinVar:

ClinVar aggregate classification (germline): Uncertain significance (1 of 4 stars; one submission).

Conditions:
Inborn genetic diseases. Identifiers: MedGen C0950123, MeSH D030342.

Submission:

Ambry Genetics
Classification: Uncertain significance for Inborn genetic diseases. Last evaluated: 2024-08-03. Review status: criteria provided, single submitter. Criteria: Ambry Variant Classification Scheme 2023. Collection method: clinical testing. Allele origin: germline.
Comment: The p.D896G variant (also known as c.2687A>G), located in coding exon 21 of the BUB1B gene, results from an A to G substitution at nucleotide position 2687. The aspartic acid at codon 896 is replaced by glycine, an amino acid with similar properties. This amino acid position is conserved. In addition, the in silico prediction for this alteration is inconclusive. Based on the available evidence, the clinical significance of this variant remains unclear.

NM_001211.6(BUB1B):c.2687A>G (p.Asp896Gly)

Genes: BUB1B (BUB1 mitotic checkpoint serine/threonine kinase B; plus strand), BUB1B-PAK6 (BUB1B-PAK6 readthrough; plus strand). Cytogenetic location: 15q15.1.
Variant type: single nucleotide variant.
Coding change: c.2687A>G on transcript NM_001211.6 (MANE Select); coding-DNA position 2687, A replaced by G.
Protein change: p.Asp896Gly; replaces aspartic acid 896 with glycine.
Molecular consequence: missense variant. On other transcripts: 5 prime UTR variant (2).
Genome position (GRCh38, 1-based): chr15:40,217,504, A>G. VCF-style: chr15-40217504-A-G. GRCh37 (hg19) VCF-style: chr15-40509705-A-G.
Other names: c.-364A>G (NM_001128628.3); c.-281A>G (NM_001128629.3); short protein forms D896G.
Identifiers: ClinVar variation 3483161 (VCV003483161.1).
Genomic context (GRCh38, chr15:40,217,504, plus strand): 5'-GCTTCTTTCATGGCCTATTTTTATTATCTCCTTCTCTTAAATCTGGGCTCAGAATCCACG[A>G]TCCCTATGATTGTAACAAGAACAATCAAGCTTTGAAGATAGTGGACTTTTCCTACAGTGT-3'
Protein context (NP_001202.5, residues 886-906): RCLILRNRIH[Asp896Gly]PYDCNKNNQA